The following is an entry in ClinVar:

ClinVar aggregate classification (germline): Pathogenic (1 of 4 stars; one submission).

Submission:

GeneDx
Classification: Pathogenic. Last evaluated: 2025-01-10. Review status: criteria provided, single submitter. Criteria: GeneDx Variant Classification Process June 2021. Collection method: clinical testing. Allele origin: germline. Affected: yes.
Comment: Canonical splice site variant predicted to result in a null allele in a gene for which loss of function is a known mechanism of disease; Not observed at significant frequency in large population cohorts (gnomAD); Has not been previously published as pathogenic or benign to our knowledge

NM_004380.3(CREBBP):c.2283+1G>C

Gene: CREBBP (CREB binding lysine acetyltransferase; minus strand). Cytogenetic location: 16p13.3.
Variant type: single nucleotide variant.
Coding change: c.2283+1G>C on transcript NM_004380.3 (MANE Select); the canonical splice donor site of the intron after coding-DNA position 2283, G replaced by C.
Molecular consequence: splice donor variant.
Genome position (GRCh38, 1-based): chr16:3,774,568, C>G on the plus strand (G>C on the coding strand, the complement: CREBBP is on the minus strand). VCF-style: chr16-3774568-C-G. GRCh37 (hg19) VCF-style: chr16-3824569-C-G.
Other names: c.2169+1G>C (NM_001079846.1).
Identifiers: ClinVar variation 4057138 (VCV004057138.1).